The following is an entry in ClinVar:

ClinVar aggregate classification (germline): Conflicting classifications of pathogenicity. Review status: criteria provided, conflicting classifications (1 of 4 stars). 3 submissions from 3 submitters: Uncertain significance (1); Likely benign (2). Last evaluated 2024-08-23.

Conditions:
Multiple endocrine neoplasia, type 2 (MEN2). Identifiers: Orphanet 653, MedGen C4048306, MONDO:0019003. Disease mechanism: gain of function.
Hereditary cancer-predisposing syndrome. Also called: Neoplastic Syndromes, Hereditary; Hereditary Cancer Syndrome; Tumor predisposition; Hereditary neoplastic syndrome. Identifiers: Orphanet 140162, MedGen C0027672, MeSH D009386, MONDO:0015356.

Allele frequency attached by ClinVar (database versions not stated): ExAC 0.00001; gnomAD 0.00001; ESP Exome Variant Server 0.00008.
gnomAD v4.1: 1 of 1,613,968 alleles (0.000062%); highest among the groups gnomAD compares: African/African-American, 0.0013%; no homozygotes.

Submissions (3):

Quest Diagnostics Nichols Institute San Juan Capistrano
Classification: Uncertain significance. Last evaluated: 2024-08-23. Review status: criteria provided, single submitter. Criteria: Quest Diagnostics criteria. Collection method: clinical testing. Allele origin: unknown.
Comment: The RET c.3141C>T (p.Pro1047=) synonymous variant has not been reported in individuals with RET-related conditions in the published literature. The frequency of this variant in the general population, 0.000004 (1/251464 chromosomes (Genome Aggregation Database)), is uninformative in the assessment of its pathogenicity. Analysis of this variant using software algorithms for the prediction of the effect of nucleotide changes on splicing yielded predictions that this variant does not affect RET mRNA splicing. Based on the available information, we are unable to determine the clinical significance of this variant.

Labcorp Genetics (formerly Invitae), Labcorp
Classification: Likely benign for Multiple endocrine neoplasia, type 2. Last evaluated: 2023-08-07. Review status: criteria provided, single submitter. Criteria: Invitae Variant Classification Sherloc (09022015). Collection method: clinical testing. Allele origin: germline.

Ambry Genetics
Classification: Likely benign for Hereditary cancer-predisposing syndrome. Last evaluated: 2022-11-11. Review status: criteria provided, single submitter. Criteria: Ambry Variant Classification Scheme 2023. Collection method: clinical testing. Allele origin: germline.

NM_020975.6(RET):c.3141C>T (p.Pro1047=)

Gene: RET (ret proto-oncogene; plus strand). Cytogenetic location: 10q11.21.
Variant type: single nucleotide variant.
Coding change: c.3141C>T on transcript NM_020975.6 (MANE Select); coding-DNA position 3141, C replaced by T.
Protein change: p.Pro1047=; no amino-acid change (proline 1047 retained).
Molecular consequence: synonymous variant. On other transcripts: intron variant (4).
Genome position (GRCh38, 1-based): chr10:43,126,676, C>T. VCF-style: chr10-43126676-C-T. GRCh37 (hg19) VCF-style: chr10-43622124-C-T.
Other names: c.3141C>T, p.Pro1047= (NM_000323.2, NM_001406743.1, NM_001406744.1 and 2 more transcripts); c.2379C>T, p.Pro793= (NM_001355216.2); c.3012C>T, p.Pro1004= (NM_001406761.1, NM_001406762.1, NM_001406764.1); c.3006C>T, p.Pro1002= (NM_001406763.1, NM_001406765.1); c.2853C>T, p.Pro951= (NM_001406766.1, NM_001406767.1, NM_001406770.1); c.2877C>T, p.Pro959= (NM_001406768.1); c.2745C>T, p.Pro915= (NM_001406769.1, NM_001406772.1); c.2703C>T, p.Pro901= (NM_001406771.1, NM_001406773.1); and 13 more.
Identifiers: ClinVar variation 2038497 (VCV002038497.7), dbSNP rs372673589, ClinGen allele CA042748.